The following is an entry in ClinVar:

ClinVar aggregate classification (germline): Benign (0 of 4 stars; one submission).

Conditions:
ZC3H4-related disorder. Also called: ZC3H4-related condition.

Submission:

PreventionGenetics, part of Exact Sciences
Classification: Benign for ZC3H4-related condition. Last evaluated: 2019-11-08. Review status: no assertion criteria provided. Collection method: clinical testing. Allele origin: germline.
Comment: This variant is classified as benign based on ACMG/AMP sequence variant interpretation guidelines (Richards et al. 2015 PMID: 25741868, with internal and published modifications).

NM_015168.2(ZC3H4):c.1638TCCCCC[1] (p.Pro551_Pro552del)

Gene: ZC3H4 (zinc finger CCCH-type containing 4; minus strand). Cytogenetic location: 19q13.32.
Variant type: Microsatellite.
Coding change: c.1638TCCCCC[1] on transcript NM_015168.2 (MANE Select); one copy of the 6-base unit TCCCCC starting at c.1638; the reference has two copies in a row; one copy, 6 bases deleted.
Protein change: p.Pro551_Pro552del.
Genome position (GRCh38, 1-based): chr19:47,072,505-47,072,510, GGGGGA deleted on the plus strand (TCCCCC on the coding strand, the reverse complement: ZC3H4 is on the minus strand); deleting any 6 consecutive bases within chr19:47,072,505-47,072,521 gives the same sequence; the position shown is the placement nearest the transcript's 3' end. VCF-style (leftmost placement, unchanged base first): chr19-47072504-TGGGGGA-T. GRCh37 (hg19) VCF-style: chr19-47575761-TGGGGGA-T.
Identifiers: ClinVar variation 3056116 (VCV003056116.2), dbSNP rs779513159, ClinGen allele CA9535146.
Genomic context (GRCh38, chr19:47,072,504, plus strand): 5'-CAGCTGCTGCGGGGACAGTGGCTCATGCACCGGCATGGGCATCTGAGGGGGCCCGGGCGG[TGGGGGA>T]GGGGGAGGGGGCGGGGGCGGGGGGCCACCCTGCATGGGCCTGCCGTTGGGAGAGGTTGGA-3'